The following is an entry in ClinVar:

ClinVar aggregate classification (germline): Uncertain significance (1 of 4 stars; one submission).

Conditions:
CLCN3-related disorder. Also called: CLCN3-related condition.

Allele frequency attached by ClinVar (database versions not stated): ExAC 0.00001.
gnomAD v4.1: 12 of 1,614,208 alleles (0.00074%); highest among the groups gnomAD compares: Non-Finnish European, 0.001%; no homozygotes.

Submission:

PreventionGenetics, part of Exact Sciences
Classification: Uncertain significance for CLCN3-related condition. Last evaluated: 2023-02-21. Review status: criteria provided, single submitter. Criteria: ACMG Guidelines, 2015. Collection method: clinical testing. Allele origin: germline.
Comment: The CLCN3 c.1441A>G variant is predicted to result in the amino acid substitution p.Ser481Gly. To our knowledge, this variant has not been reported in the literature. This variant is reported in 0.00088% of alleles in individuals of European (Non-Finnish) descent in gnomAD. At this time, the clinical significance of this variant is uncertain due to the absence of conclusive functional and genetic evidence.

NM_001829.4(CLCN3):c.1441A>G (p.Ser481Gly)

Gene: CLCN3 (chloride voltage-gated channel 3; plus strand). Cytogenetic location: 4q33.
Variant type: single nucleotide variant.
Coding change: c.1441A>G on transcript NM_001829.4 (MANE Select); coding-DNA position 1441, A replaced by G.
Protein change: p.Ser481Gly; replaces serine 481 with glycine.
Molecular consequence: missense variant.
Genome position (GRCh38, 1-based): chr4:169,697,612, A>G. VCF-style: chr4-169697612-A-G. GRCh37 (hg19) VCF-style: chr4-170618763-A-G.
Other names: c.1360A>G, p.Ser454Gly (NM_001243372.2, NM_001243374.2); c.1441A>G, p.Ser481Gly (NM_173872.4); short protein forms S454G, S481G.
Identifiers: ClinVar variation 2635295 (VCV002635295.1), dbSNP rs776565829, ClinGen allele CA3138442.
Genomic context (GRCh38, chr4:169,697,612, plus strand): 5'-ACAGACTGTGGTCCCCTGGAATCCTCTTCTCTTTGTGACTACAGAAATGACATGAATGCC[A>G]GTAAAATTGTCGATGACATTCCTGATCGTCCAGCAGGCATTGGAGTATATTCAGCTATAT-3'
Protein context (NP_001820.2, residues 471-491): LCDYRNDMNA[Ser481Gly]KIVDDIPDRP